The following is an entry in ClinVar:

ClinVar aggregate classification (germline): Uncertain significance (1 of 4 stars; one submission).

Conditions:
ACOX2-related disorder. Also called: ACOX2-related condition.

Submission:

PreventionGenetics, part of Exact Sciences
Classification: Uncertain significance for ACOX2-related condition. Last evaluated: 2025-09-14. Review status: criteria provided, single submitter. Criteria: ACMG Guidelines, 2015. Collection method: clinical testing. Allele origin: germline.
Comment: The ACOX2 c.1750A>C variant is predicted to result in the amino acid substitution p.Ile584Leu. To our knowledge, this variant has not been reported in the literature. This variant is reported in 0.00088% of alleles in individuals of European (Non-Finnish) descent in gnomAD. At this time, the clinical significance of this variant is uncertain due to the absence of conclusive functional and genetic evidence.

NM_003500.4(ACOX2):c.1750A>C (p.Ile584Leu)

Gene: ACOX2 (acyl-CoA oxidase 2; minus strand). Cytogenetic location: 3p14.3.
Variant type: single nucleotide variant.
Coding change: c.1750A>C on transcript NM_003500.4 (MANE Select); coding-DNA position 1750, A replaced by C.
Protein change: p.Ile584Leu; replaces isoleucine 584 with leucine.
Molecular consequence: missense variant.
Genome position (GRCh38, 1-based): chr3:58,517,306, T>G on the plus strand (A>C on the coding strand, the complement: ACOX2 is on the minus strand). VCF-style: chr3-58517306-T-G. GRCh37 (hg19) VCF-style: chr3-58503033-T-G.
Other names: short protein forms I584L.
Identifiers: ClinVar variation 4989060 (VCV004989060.1).